The following is an entry in ClinVar:

ClinVar aggregate classification (germline): Likely benign. Review status: criteria provided, multiple submitters, no conflicts (2 of 4 stars). 7 submissions from 7 submitters: Likely benign (6). 1 of the submissions does not count toward it. Last evaluated 2025-10-01.

Conditions:
Breast-ovarian cancer, familial, susceptibility to, 1 (BROVCA1). Also called: BRCA1 Hereditary Breast and Ovarian Cancer; OVARIAN CANCER, SUSCEPTIBILITY TO. Identifiers: Orphanet 145, MedGen C2676676, MONDO:0011450, OMIM 604370. Disease mechanism: loss of function.
Hereditary cancer-predisposing syndrome. Also called: Neoplastic Syndromes, Hereditary; Hereditary neoplastic syndrome; Hereditary Cancer Syndrome; Tumor predisposition. Identifiers: Orphanet 140162, MedGen C0027672, MeSH D009386, MONDO:0015356.
Hereditary breast ovarian cancer syndrome. Also called: Hereditary breast and ovarian cancer syndrome; Breast and ovarian cancer; Hereditary breast and ovarian cancer syndrome (HBOC); Hereditary breast and/or ovarian cancer syndrome; BRCA1- and BRCA2-Associated Hereditary Breast and Ovarian Cancer; Hereditary breast and ovarian cancer. Identifiers: Orphanet 145, MedGen C0677776, MeSH D061325, MONDO:0003582. Disease mechanism: loss of function.

Allele frequency attached by ClinVar (database versions not stated): gnomAD exomes below 0.00001.
gnomAD v4.1: 1 of 1,614,054 alleles (0.000062%); highest among the groups gnomAD compares: Non-Finnish European, 0.000085%; no homozygotes.

Submissions (7):

Quest Diagnostics Nichols Institute San Juan Capistrano
Classification: Likely benign. Last evaluated: 2025-10-01. Review status: criteria provided, single submitter. Criteria: Quest Diagnostics criteria. Collection method: clinical testing. Allele origin: unknown.

Labcorp Genetics (formerly Invitae), Labcorp
Classification: Likely benign for Hereditary breast ovarian cancer syndrome. Last evaluated: 2025-01-22. Review status: criteria provided, single submitter. Criteria: Invitae Variant Classification Sherloc (09022015). Collection method: clinical testing. Allele origin: germline.

All of Us Research Program, National Institutes of Health
Classification: Likely benign for Breast-ovarian cancer, familial, susceptibility to, 1. Last evaluated: 2023-02-24. Review status: criteria provided, single submitter. Criteria: ACMG Guidelines, 2015. Collection method: clinical testing. Allele origin: germline. Inheritance: Autosomal dominant inheritance. Observed: 1 variant allele, 1 heterozygote.
Comment: This study involves interpretation of variants in research participants for the purpose of population health screening. Participant phenotype was not available at the time of variant classification. Additional details can be found in publication PMID: 35346344, PMCID: PMC8962531

Ambry Genetics
Classification: Likely benign for Hereditary cancer-predisposing syndrome. Last evaluated: 2016-07-07. Review status: criteria provided, single submitter. Criteria: Ambry Variant Classification Scheme 2023. Collection method: clinical testing. Allele origin: germline.

GeneDx
Classification: Likely benign. Last evaluated: 2016-04-11. Review status: criteria provided, single submitter. Criteria: GeneDx Variant Classification (06012015). Collection method: clinical testing. Allele origin: germline. Affected: yes.
Comment: This variant is considered likely benign or benign based on one or more of the following criteria: it is a conservative change, it occurs at a poorly conserved position in the protein, it is predicted to be benign by multiple in silico algorithms, and/or has population frequency not consistent with disease.

Color Diagnostics, LLC DBA Color Health
Classification: Likely benign for Hereditary cancer-predisposing syndrome. Last evaluated: 2016-02-24. Review status: criteria provided, single submitter. Criteria: ACMG Guidelines, 2015. Collection method: clinical testing. Allele origin: germline.

Department of Pathology and Laboratory Medicine, Sinai Health System
Classification: Uncertain significance. Review status: no assertion criteria provided. Collection method: clinical testing. Allele origin: unknown. Affected: yes. Study: The Canadian Open Genetics Repository (COGR). Not counted in ClinVar's aggregate classification.

Literature cited by the submitters: PubMed 30702160 (cited by Quest Diagnostics Nichols Institute San Juan Capistrano).

NM_007294.4(BRCA1):c.2712A>G (p.Glu904=)

Gene: BRCA1 (BRCA1 DNA repair associated; minus strand). Cytogenetic location: 17q21.31.
Variant type: single nucleotide variant.
Coding change: c.2712A>G on transcript NM_007294.4 (MANE Select); coding-DNA position 2712, A replaced by G.
Protein change: p.Glu904=; no amino-acid change (glutamic acid 904 retained).
Molecular consequence: synonymous variant. On other transcripts: intron variant (137).
Genome position (GRCh38, 1-based): chr17:43,092,819, T>C on the plus strand (A>G on the coding strand, the complement: BRCA1 is on the minus strand). VCF-style: chr17-43092819-T-C. GRCh37 (hg19) VCF-style: chr17-41244836-T-C.
Other names: c.2499A>G, p.Glu833= (NM_001407571.1, NM_001407853.1, NM_001407894.1 and 9 more transcripts); c.2712A>G, p.Glu904= (NM_001407581.1, NM_001407582.1, NM_001407583.1 and 30 more transcripts); c.2709A>G, p.Glu903= (NM_001407587.1, NM_001407590.1, NM_001407591.1 and 22 more transcripts); c.2703A>G, p.Glu901= (NM_001407646.1, NM_001407647.1); c.2589A>G, p.Glu863= (NM_001407648.1, NM_001407664.1, NM_001407665.1 and 19 more transcripts); c.2586A>G, p.Glu862= (NM_001407649.1, NM_001407670.1, NM_001407671.1 and 11 more transcripts); c.2634A>G, p.Glu878= (NM_001407653.1, NM_001407654.1, NM_001407655.1 and 4 more transcripts); c.2631A>G, p.Glu877= (NM_001407659.1, NM_001407660.1, NM_001407661.1 and 1 more transcripts); and 41 more.
Identifiers: ClinVar variation 385498 (VCV000385498.21), dbSNP rs1057522242, ClinGen allele CA16607622.